The following is an entry in ClinVar:

NM_001042492.3(NF1):c.5240C>T (p.Ala1747Val)

Gene: NF1 (neurofibromin 1; plus strand). Cytogenetic location: 17q11.2.
Variant type: single nucleotide variant.
Coding change: c.5240C>T on transcript NM_001042492.3 (MANE Select); coding-DNA position 5240, C replaced by T.
Protein change: p.Ala1747Val; replaces alanine 1747 with valine.
Molecular consequence: missense variant.
Genome position (GRCh38, 1-based): chr17:31,326,224, C>T. VCF-style: chr17-31326224-C-T. GRCh37 (hg19) VCF-style: chr17-29653242-C-T.
Other names: c.5177C>T, p.Ala1726Val (NM_000267.4); short protein forms A1747V, A1726V.
Identifiers: ClinVar variation 1745828 (VCV001745828.2), dbSNP rs2151539025, ClinGen allele CA399008291.

ClinVar aggregate classification (germline): Uncertain significance (1 of 4 stars; one submission).

Conditions:
Cardiovascular phenotype. Identifiers: MedGen CN230736.
Hereditary cancer-predisposing syndrome. Also called: Hereditary Cancer Syndrome; Neoplastic Syndromes, Hereditary; Tumor predisposition; Hereditary neoplastic syndrome. Identifiers: Orphanet 140162, MedGen C0027672, MeSH D009386, MONDO:0015356.

Submission:

Ambry Genetics
Classification: Uncertain significance for Cardiovascular phenotype; Hereditary cancer-predisposing syndrome. Last evaluated: 2022-02-15. Review status: criteria provided, single submitter. Criteria: Ambry Variant Classification Scheme 2023. Collection method: clinical testing. Allele origin: germline.
Comment: The p.A1726V variant (also known as c.5177C>T), located in coding exon 36 of the NF1 gene, results from a C to T substitution at nucleotide position 5177. The alanine at codon 1726 is replaced by valine, an amino acid with similar properties. This amino acid position is highly conserved in available vertebrate species. In addition, the in silico prediction for this alteration is inconclusive. Since supporting evidence is limited at this time, the clinical significance of this alteration remains unclear.